The following is an entry in ClinVar:

NM_003924.4(PHOX2B):c.863G>A (p.Gly288Glu)

Gene: PHOX2B (paired like homeobox 2B; minus strand). Cytogenetic location: 4p13.
Variant type: single nucleotide variant.
Coding change: c.863G>A on transcript NM_003924.4 (MANE Select); coding-DNA position 863, G replaced by A.
Protein change: p.Gly288Glu; replaces glycine 288 with glutamic acid.
Molecular consequence: missense variant.
Genome position (GRCh38, 1-based): chr4:41,745,889, C>T on the plus strand (G>A on the coding strand, the complement: PHOX2B is on the minus strand). VCF-style: chr4-41745889-C-T. GRCh37 (hg19) VCF-style: chr4-41747906-C-T.
Other names: short protein forms G288E.
Identifiers: ClinVar variation 3888491 (VCV003888491.1).

ClinVar aggregate classification (germline): Uncertain significance (1 of 4 stars; one submission).

Conditions:
Hereditary cancer-predisposing syndrome. Also called: Tumor predisposition; Neoplastic Syndromes, Hereditary; Hereditary Cancer Syndrome; Hereditary neoplastic syndrome. Identifiers: Orphanet 140162, MedGen C0027672, MeSH D009386, MONDO:0015356.

gnomAD v4.1: 3 of 1,608,362 alleles (0.00019%); highest among the groups gnomAD compares: South Asian, 0.0022%; no homozygotes.

Submission:

Ambry Genetics
Classification: Uncertain significance for Hereditary cancer-predisposing syndrome. Last evaluated: 2025-01-08. Review status: criteria provided, single submitter. Criteria: Ambry Variant Classification Scheme 2023. Collection method: clinical testing. Allele origin: germline.
Comment: The p.G288E variant (also known as c.863G>A), located in coding exon 3 of the PHOX2B gene, results from a G to A substitution at nucleotide position 863. The glycine at codon 288 is replaced by glutamic acid, an amino acid with similar properties. This amino acid position is conserved. In addition, the in silico prediction for this alteration is inconclusive. Based on the available evidence, the clinical significance of this variant remains unclear.